The following is an entry in ClinVar:

ClinVar aggregate classification (germline): Uncertain significance (1 of 4 stars; one submission).

Submission:

Labcorp Genetics (formerly Invitae), Labcorp
Classification: Uncertain significance. Last evaluated: 2022-03-09. Review status: criteria provided, single submitter. Criteria: Invitae Variant Classification Sherloc (09022015). Collection method: clinical testing. Allele origin: germline.
Comment: In summary, the available evidence is currently insufficient to determine the role of this variant in disease. Therefore, it has been classified as a Variant of Uncertain Significance. Algorithms developed to predict the effect of missense changes on protein structure and function are either unavailable or do not agree on the potential impact of this missense change (SIFT: "Deleterious"; PolyPhen-2: "Probably Damaging"; Align-GVGD: "Class C0"). This variant has not been reported in the literature in individuals affected with SLC6A19-related conditions. This variant is not present in population databases (gnomAD no frequency). This sequence change replaces tryptophan, which is neutral and slightly polar, with glycine, which is neutral and non-polar, at codon 138 of the SLC6A19 protein (p.Trp138Gly).

NM_001003841.3(SLC6A19):c.412T>G (p.Trp138Gly)

Gene: SLC6A19 (solute carrier family 6 member 19; plus strand). Cytogenetic location: 5p15.33.
Variant type: single nucleotide variant.
Coding change: c.412T>G on transcript NM_001003841.3 (MANE Select); coding-DNA position 412, T replaced by G.
Protein change: p.Trp138Gly; replaces tryptophan 138 with glycine.
Molecular consequence: missense variant.
Genome position (GRCh38, 1-based): chr5:1,210,512, T>G. VCF-style: chr5-1210512-T-G. GRCh37 (hg19) VCF-style: chr5-1210627-T-G.
Other names: short protein forms W138G.
Identifiers: ClinVar variation 2108000 (VCV002108000.4), dbSNP rs2477927790, ClinGen allele CA359065088.